The following is an entry in ClinVar:

NC_000023.10:g.(?_122387134)_(123234447_?)dup

Genes: GRIA3 (glutamate ionotropic receptor AMPA type subunit 3; plus strand), STAG2 (STAG2 cohesin complex component; plus strand), THOC2 (THO complex subunit 2; minus strand), XIAP (X-linked inhibitor of apoptosis; plus strand). Cytogenetic location: Xq25.
Variant type: Duplication.
Identifiers: ClinVar variation 3246365 (VCV003246365.1).

ClinVar aggregate classification (germline): Uncertain significance (1 of 4 stars; one submission).

Submission:

Labcorp Genetics (formerly Invitae), Labcorp
Classification: Uncertain significance. Last evaluated: 2023-07-09. Review status: criteria provided, single submitter. Criteria: Invitae Variant Classification Sherloc (09022015). Collection method: clinical testing. Allele origin: unknown.
Comment: This variant results in a copy number gain of the genomic region encompassing exon(s) 3-16 of the GRIA3 gene. This region includes the termination codon of the gene. This copy number gain extends beyond the assayed region for this gene and therefore may encompass additional genes. As the precise location of this event is unknown, it may be in tandem or it may be located elsewhere in the genome. This variant has not been reported in the literature in individuals affected with GRIA3-related conditions. Experimental studies and prediction algorithms are not available or were not evaluated, and the functional significance of this variant is currently unknown. In summary, the available evidence is currently insufficient to determine the role of this variant in disease. Therefore, it has been classified as a Variant of Uncertain Significance.